The following is an entry in ClinVar:

ClinVar aggregate classification (germline): Uncertain significance (1 of 4 stars; one submission).

Submission:

Dasa
Classification: Uncertain significance. Last evaluated: 2024-10-14. Review status: criteria provided, single submitter. Criteria: DASA Assertion Criteria. Collection method: clinical testing. Allele origin: germline.
Comment: NM_021224.6(ZNF462):c.2980_2985del (p.Val994_Ala995del) is an in-frame deletion predicted to remove amino acids from valine at protein position 994 through alanine at protein position 995 without shifting the reading frame. This variant is absent from population databases. The currently available literature and clinical evidence are not sufficient to establish a definitive association between this variant and the reported condition. Therefore, this variant is classified as a variant of uncertain significance.

NM_021224.6(ZNF462):c.2980_2985del (p.Val994_Ala995del)

Gene: ZNF462 (zinc finger protein 462; plus strand). Cytogenetic location: 9q31.2.
Variant type: Deletion.
Coding change: c.2980_2985del on transcript NM_021224.6 (MANE Select); coding-DNA positions 2980 to 2985, 6 bases deleted (GTGGCT; older notation c.2980_2985delGTGGCT).
Protein change: p.Val994_Ala995del.
Molecular consequence: inframe deletion.
Genome position (GRCh38, 1-based): chr9:106,926,892-106,926,897, GTGGCT deleted; deleting any 6 consecutive bases within chr9:106,926,890-106,926,897 gives the same sequence; the c. name uses the placement nearest the transcript's 3' end. VCF-style (leftmost placement, unchanged base first): chr9-106926889-CCTGTGG-C. GRCh37 (hg19) VCF-style: chr9-109689170-CCTGTGG-C.
Other names: c.2980_2985del, p.Val994_Ala995del (NM_001347997.2).
Identifiers: ClinVar variation 4884087 (VCV004884087.2).